The following is an entry in ClinVar:

NM_020719.3(PRR12):c.2209G>A (p.Glu737Lys)

Gene: PRR12 (proline rich 12; plus strand). Cytogenetic location: 19q13.33.
Variant type: single nucleotide variant.
Coding change: c.2209G>A on transcript NM_020719.3 (MANE Select); coding-DNA position 2209, G replaced by A.
Protein change: p.Glu737Lys; replaces glutamic acid 737 with lysine.
Molecular consequence: missense variant.
Genome position (GRCh38, 1-based): chr19:49,596,544, G>A. VCF-style: chr19-49596544-G-A. GRCh37 (hg19) VCF-style: chr19-50099801-G-A.
Other names: c.2209G>A (NM_020719.2); short protein forms E737K.
Identifiers: ClinVar variation 2271582 (VCV002271582.3), dbSNP rs372185474, ClinGen allele CA9578048.

ClinVar aggregate classification (germline): Likely benign. Review status: criteria provided, multiple submitters, no conflicts (2 of 4 stars). 2 submissions from 2 submitters: Likely benign (2). Last evaluated 2026-05-07.

Conditions:
Inborn genetic diseases. Identifiers: MedGen C0950123, MeSH D030342.
PRR12-related disorder. Also called: PRR12-related condition.

Allele frequency attached by ClinVar (database versions not stated): gnomAD exomes 0.00006; TOPMed 0.00012; ExAC 0.00014; gnomAD 0.00014; ESP Exome Variant Server 0.00017.
gnomAD v4.1: 124 of 1,607,110 alleles (0.0077%); highest among the groups gnomAD compares: Admixed American, 0.03%; no homozygotes.

Submissions (2):

PreventionGenetics, part of Exact Sciences
Classification: Likely benign for PRR12-related condition. Last evaluated: 2026-05-07. Review status: criteria provided, single submitter. Criteria: ACMG Guidelines, 2015. Collection method: clinical testing. Allele origin: germline.
Comment: This variant is classified as likely benign based on ACMG/AMP sequence variant interpretation guidelines (Richards et al. 2015 PMID: 25741868, with internal and published modifications).

Ambry Genetics
Classification: Likely benign for Inborn genetic diseases. Last evaluated: 2022-08-17. Review status: criteria provided, single submitter. Criteria: Ambry Variant Classification Scheme 2023. Collection method: clinical testing. Allele origin: germline.